The following is an entry in ClinVar:

ClinVar aggregate classification (germline): Uncertain significance (1 of 4 stars; one submission).

Conditions:
Hereditary diffuse gastric adenocarcinoma (HDGC). Also called: DIFFUSE GASTRIC AND LOBULAR BREAST CANCER SYNDROME. Identifiers: Orphanet 26106, MedGen C1708349, MONDO:0007648, OMIM 137215.

Submission:

Labcorp Genetics (formerly Invitae), Labcorp
Classification: Uncertain significance for Hereditary diffuse gastric adenocarcinoma. Last evaluated: 2025-01-17. Review status: criteria provided, single submitter. Criteria: Invitae Variant Classification Sherloc (09022015). Collection method: clinical testing. Allele origin: germline.
Comment: This sequence change replaces glutamine, which is neutral and polar, with lysine, which is basic and polar, at codon 765 of the CDH1 protein (p.Gln765Lys). This variant is not present in population databases (gnomAD no frequency). This variant has not been reported in the literature in individuals affected with CDH1-related conditions. An algorithm developed to predict the effect of missense changes on protein structure and function (PolyPhen-2) suggests that this variant is likely to be disruptive. In summary, the available evidence is currently insufficient to determine the role of this variant in disease. Therefore, it has been classified as a Variant of Uncertain Significance.

NM_004360.5(CDH1):c.2293C>A (p.Gln765Lys)

Gene: CDH1 (cadherin 1; plus strand). Cytogenetic location: 16q22.1.
Variant type: single nucleotide variant.
Coding change: c.2293C>A on transcript NM_004360.5 (MANE Select); coding-DNA position 2293, C replaced by A.
Protein change: p.Gln765Lys; replaces glutamine 765 with lysine.
Molecular consequence: missense variant.
Genome position (GRCh38, 1-based): chr16:68,828,302, C>A. VCF-style: chr16-68828302-C-A. GRCh37 (hg19) VCF-style: chr16-68862205-C-A.
Other names: c.2110C>A, p.Gln704Lys (NM_001317184.2); c.745C>A, p.Gln249Lys (NM_001317185.2); c.328C>A, p.Gln110Lys (NM_001317186.2); short protein forms Q110K, Q704K, Q765K, Q249K.
Identifiers: ClinVar variation 3729088 (VCV003729088.2).